The following is an entry in ClinVar:

NM_024911.7(WLS):c.1061T>C (p.Met354Thr)

Genes: GNG12-AS1 (GNG12, DIRAS3 and WLS antisense RNA 1; plus strand), WLS (Wnt ligand secretion mediator; minus strand), LOC126805752 (BRD4-independent group 4 enhancer GRCh37_chr1:68613408-68614607; plus strand). Cytogenetic location: 1p31.3.
Variant type: single nucleotide variant.
Coding change: c.1061T>C on transcript NM_024911.7 (MANE Select); coding-DNA position 1061, T replaced by C.
Protein change: p.Met354Thr; replaces methionine 354 with threonine.
Molecular consequence: missense variant.
Genome position (GRCh38, 1-based): chr1:68,148,572, A>G on the plus strand (T>C on the coding strand, the complement: WLS is on the minus strand). VCF-style: chr1-68148572-A-G. GRCh37 (hg19) VCF-style: chr1-68614255-A-G.
Other names: c.1055T>C, p.Met352Thr (NM_001002292.4); c.788T>C, p.Met263Thr (NM_001193334.1); short protein forms M354T, M263T, M352T.
Identifiers: ClinVar variation 5000376 (VCV005000376.1).
Genomic context (GRCh38, chr1:68,148,572, plus strand): 5'-TGGGCGTGGTGATGCACAGTTTGGCTCAGTGTCCCACAAACACTTGCTCACCTCTCACAC[A>G]TGTCAAATATGAAGAGGCAGAAGGAGCCAACGGCAATGGGTCCGACTTGCTTCCAATACC-3'
Protein context (NP_079187.3, residues 344-364): VGSFCLFIFD[Met354Thr]CERGVQLTNP

ClinVar aggregate classification (germline): Uncertain significance (1 of 4 stars; one submission).

Conditions:
WLS-related disorder. Also called: WLS-related condition.

gnomAD v4.1: 2 of 1,614,000 alleles (0.00012%); highest among the groups gnomAD compares: East Asian, 0.0022%; no homozygotes.

Submission:

PreventionGenetics, part of Exact Sciences
Classification: Uncertain significance for WLS-related condition. Last evaluated: 2024-12-11. Review status: criteria provided, single submitter. Criteria: ACMG Guidelines, 2015. Collection method: clinical testing. Allele origin: germline.
Comment: The WLS c.1055T>C variant is predicted to result in the amino acid substitution p.Met352Thr. To our knowledge, this variant has not been reported in the literature or in a large population database (gnomAD), indicating this variant is rare. At this time, the clinical significance of this variant is uncertain due to the absence of conclusive functional and genetic evidence.